The following is an entry in ClinVar:

ClinVar aggregate classification (germline): Conflicting classifications of pathogenicity. Review status: criteria provided, conflicting classifications (1 of 4 stars). 13 submissions from 12 submitters: Uncertain significance (9); Benign (1); Likely benign (1). 2 of the submissions do not count toward it. Last evaluated 2025-01-27.

Conditions:
Timothy syndrome (TS). Also called: LONG QT SYNDROME WITH SYNDACTYLY. Identifiers: Orphanet 65283, MedGen C1832916, MeSH C536962, MONDO:0010979, OMIM 601005.
QT prolongation and arrhythmias in the absence of other syndromic features.
arrhythmogenic disorders.
short QT interval with or without a Brugada syndrome ECG pattern.
Brugada syndrome 3 (BRGDA3). Identifiers: Orphanet 130, MedGen C2678478, MONDO:0012742, OMIM 611875.
Long QT syndrome 8. Identifiers: MedGen CN260585, MONDO:0032756, OMIM 618447.
Short QT Syndrome 4.
Cardiovascular phenotype. Identifiers: MedGen CN230736.
Long QT syndrome (LQTS). Identifiers: MedGen C0023976, MeSH D008133, MONDO:0002442. Disease mechanism: loss of function. Inheritance: Various modes of inheritance.

Allele frequency attached by ClinVar (database versions not stated): TOPMed 0.00005; gnomAD 0.00006; ESP Exome Variant Server 0.00008.
gnomAD v4.1: 67 of 1,614,084 alleles (0.0042%); highest among the groups gnomAD compares: African/African-American, 0.0093%; 1 homozygote.

Submissions (13):

Labcorp Genetics (formerly Invitae), Labcorp
Classification: Uncertain significance for Long QT syndrome. Last evaluated: 2025-01-27. Review status: criteria provided, single submitter. Criteria: Invitae Variant Classification Sherloc (09022015). Collection method: clinical testing. Allele origin: germline.
Comment: This sequence change replaces valine, which is neutral and non-polar, with isoleucine, which is neutral and non-polar, at codon 1227 of the CACNA1C protein (p.Val1227Ile). This variant is present in population databases (rs373124557, gnomAD 0.01%). This variant has not been reported in the literature in individuals affected with CACNA1C-related conditions. ClinVar contains an entry for this variant (Variation ID: 234984). Invitae Evidence Modeling of protein sequence and biophysical properties (such as structural, functional, and spatial information, amino acid conservation, physicochemical variation, residue mobility, and thermodynamic stability) indicates that this missense variant is not expected to disrupt CACNA1C protein function with a negative predictive value of 80%. In summary, the available evidence is currently insufficient to determine the role of this variant in disease. Therefore, it has been classified as a Variant of Uncertain Significance.

Blueprint Genetics
Classification: Likely benign. Last evaluated: 2024-11-14. Review status: criteria provided, single submitter. Criteria: ACMG Guidelines, 2015. Collection method: clinical testing. Allele origin: germline.

Ambry Genetics
Classification: Benign for Cardiovascular phenotype. Last evaluated: 2023-12-11. Review status: criteria provided, single submitter. Criteria: Ambry Variant Classification Scheme 2023. Collection method: clinical testing. Allele origin: germline.

ARUP Laboratories, Molecular Genetics and Genomics, ARUP Laboratories
Classification: Uncertain significance. Last evaluated: 2023-10-24. Review status: criteria provided, single submitter. Criteria: ARUP Molecular Germline Variant Investigation Process 2024. Collection method: clinical testing. Allele origin: germline.
Comment: The CACNA1C c.3679G>A; p.Val1227Ile variant (rs373124557), to our knowledge, is not reported in the medical literature but is reported in ClinVar (Variation ID: 234984). This variant is found in the general population with an overall allele frequency of 0.0035% (10/282176 alleles) in the Genome Aggregation Database. Computational analyses are uncertain whether this variant is neutral or deleterious (REVEL: 0.283). Due to limited information, the clinical significance of this variant is uncertain at this time.

Clinical Genomics Laboratory, Stanford Medicine
Classification: Uncertain significance for arrhythmogenic disorders; Timothy syndrome; QT prolongation and arrhythmias in the absence of other syndromic features; short QT interval with or without a Brugada syndrome ECG pattern. Last evaluated: 2023-06-07. Review status: criteria provided, single submitter. Criteria: ACMG Guidelines, 2015. Collection method: clinical testing. Allele origin: germline. Observed: 1 variant allele, 1 heterozygote.
Comment: The p.Val1227Ile variant in the CACNA1C gene has not been previously reported in association with disease. This variant has also been identified in 8/129006 European (non-Finnish) chromosomes (10/282176 chromosomes overall) by the Genome Aggregation Database. This variant is present in ClinVar (Variation ID: 234984). The CACNA1C gene has fewer missense variants in the general population than expected. A low rate of missense variation may suggest that this gene is intolerant to missense variation. Computational tools predict that this variant is neither deleterious nor benign; however, the accuracy of in silico algorithms is limited. These data were assessed using the ACMG/AMP variant interpretation guidelines. In summary, the significance of the p.Val1227Ile variant is uncertain. Additional information is needed to resolve the significance of this variant. [ACMG evidence codes used: PM2; PP2]

Clinical Genomics Laboratory, Stanford Medicine
Classification: Uncertain significance for arrhythmogenic disorders; Timothy syndrome. Last evaluated: 2023-06-07. Review status: criteria provided, single submitter. Criteria: ACMG Guidelines, 2015. Collection method: clinical testing. Allele origin: germline. Observed: 1 variant allele, 1 heterozygote.
Comment: the same text as in the submission from Clinical Genomics Laboratory, Stanford Medicine above.

Fulgent Genetics
Classification: Uncertain significance for Timothy syndrome; Brugada syndrome 3; Long QT syndrome 8. Last evaluated: 2021-11-03. Review status: criteria provided, single submitter. Criteria: ACMG Guidelines, 2015. Collection method: clinical testing. Allele origin: unknown.

GeneDx
Classification: Uncertain significance. Last evaluated: 2020-05-20. Review status: criteria provided, single submitter. Criteria: GeneDx Variant Classification Process June 2021. Collection method: clinical testing. Allele origin: germline. Affected: yes.
Comment: In silico analysis, which includes protein predictors and evolutionary conservation, supports that this variant does not alter protein structure/function; Has not been previously published as pathogenic or benign to our knowledge

Eurofins Ntd Llc (ga)
Classification: Uncertain significance. Last evaluated: 2015-12-07. Review status: criteria provided, single submitter. Criteria: EGL Classification Definitions 2015. Collection method: clinical testing. Allele origin: germline. Observed: 1 variant allele, 1 heterozygote.

Stanford Center for Inherited Cardiovascular Disease, Stanford University
Classification: Uncertain significance. Last evaluated: 2012-03-18. Review status: criteria provided, single submitter. Criteria: ACMG Guidelines, 2015. Collection method: provider interpretation. Allele origin: germline.

Breakthrough Genomics
Classification: Uncertain significance. Review status: criteria provided, single submitter. Criteria: ACMG Guidelines, 2015. Collection method: not provided. Allele origin: germline. Inheritance: Autosomal dominant inheritance. Affected: yes.

Foundation for Research in Genetics and Endocrinology, FRIGE's Institute of Human Genetics
Classification: Uncertain significance for Timothy syndrome. Last evaluated: 2017-12-01. Review status: no assertion criteria provided. Collection method: clinical testing. Allele origin: germline. Inheritance: Autosomal dominant inheritance. Affected: yes. Observed: 1 variant allele, 1 heterozygote. Not counted in ClinVar's aggregate classification.
Comment: The observed variant c.3679G>A (p.V1227I) is not reported in 1000 Genomes and has minor allele frequency of 0.00002479 in ExAC database. The in silico prediction of the variant is benign by MutationTaster2 and tolerated by SIFT.

Knight Diagnostic Laboratories, Oregon Health and Sciences University
Classification: Uncertain significance for Short QT Syndrome 4. Last evaluated: 2015-07-24. Review status: no assertion criteria provided. Criteria: ACMG Guidelines, 2015. Collection method: clinical testing. Allele origin: germline. Affected: no. Study: CSER-NextGen. Not counted in ClinVar's aggregate classification.

NM_000719.7(CACNA1C):c.3679G>A (p.Val1227Ile)

Gene: CACNA1C (calcium voltage-gated channel subunit alpha1 C; plus strand). Cytogenetic location: 12p13.33.
Variant type: single nucleotide variant.
Coding change: c.3679G>A on transcript NM_000719.7 (MANE Select); coding-DNA position 3679, G replaced by A.
Protein change: p.Val1227Ile; replaces valine 1227 with isoleucine.
Molecular consequence: missense variant.
Genome position (GRCh38, 1-based): chr12:2,610,661, G>A. VCF-style: chr12-2610661-G-A. GRCh37 (hg19) VCF-style: chr12-2719827-G-A.
Other names: c.3739G>A, p.Val1247Ile (NM_001129827.2, NM_001129832.2, NM_199460.4); c.3679G>A, p.Val1227Ile (NM_001129829.2, NM_001129830.3, NM_001129831.2 and 15 more transcripts); c.3670G>A, p.Val1224Ile (NM_001129844.2); short protein forms V1227I, V1247I, V1224I.
Identifiers: ClinVar variation 234984 (VCV000234984.25), dbSNP rs373124557, ClinGen allele CA6389278.
Genomic context (GRCh38, chr12:2,610,661, plus strand): 5'-CAGCACCAGTACAAAGTGTGGTACGTGGTCAACTCCACCTACTTCGAGTACCTGATGTTC[G>A]TCCTCATCCTGCTCAACACCATCTGCCTGGCCATGCAGGTCAGTCCCAGGAGGAGCACAG-3'
Protein context (NP_000710.5, residues 1217-1237): NSTYFEYLMF[Val1227Ile]LILLNTICLA